The following is an entry in ClinVar:

ClinVar aggregate classification (germline): Benign. Review status: criteria provided, multiple submitters, no conflicts (2 of 4 stars). 2 submissions from 2 submitters: Benign (2). Last evaluated 2026-08-01.

Allele frequency attached by ClinVar (database versions not stated): ESP Exome Variant Server 0.00015; gnomAD exomes 0.00055 and 0.00266; gnomAD 0.00056 and 0.00060; 1000 Genomes Project 30x 0.00078; 1000 Genomes Project 0.00100; TOPMed 0.00155; ExAC 0.00216.
gnomAD v4.1: 884 of 1,610,466 alleles (0.055%); highest among the groups gnomAD compares: Admixed American, 1.4%; 16 homozygotes.

Submissions (2):

CeGaT Center for Human Genetics Tuebingen
Classification: Benign. Last evaluated: 2026-08-01. Review status: criteria provided, single submitter. Criteria: CeGaT Center For Human Genetics Tuebingen Variant Classification Criteria Version 2. Collection method: clinical testing. Allele origin: germline. Affected: yes. Observed: 2 variant alleles.
Comment: PLS1: BS1, BS2

Labcorp Genetics (formerly Invitae), Labcorp
Classification: Benign. Last evaluated: 2019-12-31. Review status: criteria provided, single submitter. Criteria: Invitae Variant Classification Sherloc (09022015). Collection method: clinical testing. Allele origin: germline.

NM_001145319.2(PLS1):c.1024G>A (p.Ala342Thr)

Gene: PLS1 (plastin 1; plus strand). Cytogenetic location: 3q23.
Variant type: single nucleotide variant.
Coding change: c.1024G>A on transcript NM_001145319.2 (MANE Select); coding-DNA position 1024, G replaced by A.
Protein change: p.Ala342Thr; replaces alanine 342 with threonine.
Molecular consequence: missense variant.
Genome position (GRCh38, 1-based): chr3:142,689,660, G>A. VCF-style: chr3-142689660-G-A. GRCh37 (hg19) VCF-style: chr3-142408502-G-A.
Other names: c.1024G>A, p.Ala342Thr (NM_001172312.2, NM_002670.3); short protein forms A342T.
Identifiers: ClinVar variation 709077 (VCV000709077.8), dbSNP rs189552122, ClinGen allele CA2651203.